The following is an entry in ClinVar:

ClinVar aggregate classification (germline): Uncertain significance (1 of 4 stars; one submission).

Conditions:
Inborn genetic diseases. Identifiers: MedGen C0950123, MeSH D030342.

gnomAD v4.1: 1 of 1,614,020 alleles (0.000062%); highest among the groups gnomAD compares: African/African-American, 0.0013%; no homozygotes.

Submission:

Ambry Genetics
Classification: Uncertain significance for Inborn genetic diseases. Last evaluated: 2024-11-28. Review status: criteria provided, single submitter. Criteria: Ambry Variant Classification Scheme 2023. Collection method: clinical testing. Allele origin: germline.
Comment: The p.S635N variant (also known as c.1904G>A), located in coding exon 17 of the KDM1A gene, results from a G to A substitution at nucleotide position 1904. The serine at codon 635 is replaced by asparagine, an amino acid with highly similar properties. This amino acid position is conserved. In addition, this alteration is predicted to be tolerated by in silico analysis. Based on the available evidence, the clinical significance of this variant remains unclear.

NM_001009999.3(KDM1A):c.1904G>A (p.Ser635Asn)

Gene: KDM1A (lysine demethylase 1A; plus strand). Cytogenetic location: 1p36.12.
Variant type: single nucleotide variant.
Coding change: c.1904G>A on transcript NM_001009999.3 (MANE Select); coding-DNA position 1904, G replaced by A.
Protein change: p.Ser635Asn; replaces serine 635 with asparagine.
Molecular consequence: missense variant.
Genome position (GRCh38, 1-based): chr1:23,079,026, G>A. VCF-style: chr1-23079026-G-A. GRCh37 (hg19) VCF-style: chr1-23405519-G-A.
Other names: c.1850G>A, p.Ser617Asn (NM_001363654.2); c.1910G>A, p.Ser637Asn (NM_001410762.1); c.1832G>A, p.Ser611Asn (NM_001410763.1, NM_015013.4); short protein forms S611N, S635N, S637N, S617N.
Identifiers: ClinVar variation 3532951 (VCV003532951.1).
Genomic context (GRCh38, chr1:23,079,026, plus strand): 5'-TCTTTTCCCACCCAACCTCTGCAGGATGTGAAGTGATAGCTGTGAATACCCGCTCCACGA[G>A]TCAAACCTTTATTTATAAATGCGACGCAGTTCTCTGTACCCTTCCCCTGGGTGTGCTGAA-3'
Protein context (NP_001009999.1, residues 625-645): EVIAVNTRST[Ser635Asn]QTFIYKCDAV